The following is an entry in ClinVar:

NM_145068.4(TRPV3):c.*3307G>A

Genes: SPATA22 (spermatogenesis associated 22; minus strand), TRPV3 (transient receptor potential cation channel subfamily V member 3; minus strand). Cytogenetic location: 17p13.2.
Variant type: single nucleotide variant.
Coding change: c.*3307G>A on transcript NM_145068.4 (MANE Select); 3307 bases downstream of the stop codon, G replaced by A.
Molecular consequence: 3 prime UTR variant. On other transcripts: intron variant (2).
Genome position (GRCh38, 1-based): chr17:3,510,610, C>T on the plus strand (G>A on the coding strand, the complement: TRPV3 is on the minus strand). VCF-style: chr17-3510610-C-T. GRCh37 (hg19) VCF-style: chr17-3413904-C-T.
Other names: c.*3307G>A (NM_001258205.2); c.-74+2802G>A (NM_001321336.2, NM_001321337.2).
Identifiers: ClinVar variation 322674 (VCV000322674.7), dbSNP rs17822789, ClinGen allele CA10649864.

ClinVar aggregate classification (germline): Benign (1 of 4 stars; one submission).

Conditions:
Isolated focal non-epidermolytic palmoplantar keratoderma. Also called: Palmoplantar keratoderma, nonepidermolytic, focal 2. Identifiers: Orphanet 448264, MedGen C4225339, MONDO:0014622, OMIM 616400.

Allele frequency attached by ClinVar (database versions not stated): gnomAD 0.00680 and 0.00724; TOPMed 0.00934; 1000 Genomes Project 0.01398; 1000 Genomes Project 30x 0.01483.

Submission:

Illumina Laboratory Services, Illumina
Classification: Benign for Isolated focal non-epidermolytic palmoplantar keratoderma. Last evaluated: 2018-01-13. Review status: criteria provided, single submitter. Criteria: ICSL Variant Classification Criteria 13 December 2019. Collection method: clinical testing. Allele origin: germline.
Comment: This variant was observed in the ICSL laboratory as part of a predisposition screen in an ostensibly healthy population. It had not been previously curated by ICSL or reported in the Human Gene Mutation Database (HGMD: prior to June 1st, 2018), and was therefore a candidate for classification through an automated scoring system. Utilizing variant allele frequency, disease prevalence and penetrance estimates, and inheritance mode, an automated score was calculated to assess if this variant is too frequent to cause the disease. Based on the score and internal cut-off values, a variant classified as benign is not then subjected to further curation. The score for this variant resulted in a classification of benign for this disease.